The following is an entry in ClinVar:

NM_005630.3(SLCO2A1):c.1718G>T (p.Gly573Val)

Gene: SLCO2A1 (solute carrier organic anion transporter family member 2A1; minus strand). Cytogenetic location: 3q22.1.
Variant type: single nucleotide variant.
Coding change: c.1718G>T on transcript NM_005630.3 (MANE Select); coding-DNA position 1718, G replaced by T.
Protein change: p.Gly573Val; replaces glycine 573 with valine.
Molecular consequence: missense variant.
Genome position (GRCh38, 1-based): chr3:133,935,870, C>A on the plus strand (G>T on the coding strand, the complement: SLCO2A1 is on the minus strand). VCF-style: chr3-133935870-C-A. GRCh37 (hg19) VCF-style: chr3-133654714-C-A.
Other names: short protein forms G573V.
Identifiers: ClinVar variation 1482630 (VCV001482630.7), dbSNP rs2108035460, ClinGen allele CA354615419.

ClinVar aggregate classification (germline): Uncertain significance. Review status: criteria provided, multiple submitters, no conflicts (2 of 4 stars). 2 submissions from 2 submitters: Uncertain significance (2). Last evaluated 2026-03-05.

Conditions:
Hypertrophic osteoarthropathy, primary, autosomal recessive, 2 (PHOAR2E). Also called: PHOAR2-enteropathy syndrome; PACHYDERMOPERIOSTOSIS, AUTOSOMAL RECESSIVE; PDP, AUTOSOMAL RECESSIVE; HYPERTROPHIC OSTEOARTHROPATHY, PRIMARY, AUTOSOMAL RECESSIVE, 2/ENTEROPATHY SYNDROME. Identifiers: Orphanet 2796, MedGen C3280800, MONDO:0013756, OMIM 614441.

gnomAD v4.1: 1 of 1,607,228 alleles (0.000062%); highest among the groups gnomAD compares: Non-Finnish European, 0.000085%; no homozygotes.

Submissions (2):

Mendelics
Classification: Uncertain significance for Hypertrophic osteoarthropathy, primary, autosomal recessive, 2. Last evaluated: 2026-03-05. Review status: criteria provided, single submitter. Criteria: ACMG Guidelines, 2015. Collection method: clinical testing. Allele origin: unknown.
Comment: The available evidence is insufficient to conclusively determine the role of this variant. Therefore, it is classified as a Variant of Uncertain Significance.

Labcorp Genetics (formerly Invitae), Labcorp
Classification: Uncertain significance. Last evaluated: 2021-10-27. Review status: criteria provided, single submitter. Criteria: Invitae Variant Classification Sherloc (09022015). Collection method: clinical testing. Allele origin: germline.
Comment: This sequence change replaces glycine, which is neutral and non-polar, with valine, which is neutral and non-polar, at codon 573 of the SLCO2A1 protein (p.Gly573Val). This variant is not present in population databases (gnomAD no frequency). This variant has not been reported in the literature in individuals affected with SLCO2A1-related conditions. Algorithms developed to predict the effect of missense changes on protein structure and function (SIFT, PolyPhen-2, Align-GVGD) all suggest that this variant is likely to be disruptive. In summary, the available evidence is currently insufficient to determine the role of this variant in disease. Therefore, it has been classified as a Variant of Uncertain Significance.